The following is an entry in ClinVar:

NM_170606.3(KMT2C):c.5714C>T (p.Pro1905Leu)

Gene: KMT2C (lysine methyltransferase 2C; minus strand). Cytogenetic location: 7q36.1.
Variant type: single nucleotide variant.
Coding change: c.5714C>T on transcript NM_170606.3 (MANE Select); coding-DNA position 5714, C replaced by T.
Protein change: p.Pro1905Leu; replaces proline 1905 with leucine.
Molecular consequence: missense variant.
Genome position (GRCh38, 1-based): chr7:152,182,146, G>A on the plus strand (C>T on the coding strand, the complement: KMT2C is on the minus strand). VCF-style: chr7-152182146-G-A. GRCh37 (hg19) VCF-style: chr7-151879231-G-A.
Other names: short protein forms P1905L.
Identifiers: ClinVar variation 4696025 (VCV004696025.1).
Genomic context (GRCh38, chr7:152,182,146, plus strand): 5'-TTTTCCACTGGTGCAGCAGAATTTCTTCTGGAAAAACTATGGCCCACAGGAGGTGGTCGA[G>A]GGGTACCAACCATTTTTGCATATGGATCCATTGGAGATGGTGGTCGTGAGTTAGAGGACC-3'
Protein context (NP_733751.2, residues 1895-1915): MDPYAKMVGT[Pro1905Leu]RPPPVGHSFS

ClinVar aggregate classification (germline): Uncertain significance (1 of 4 stars; one submission).

Submission:

Labcorp Genetics (formerly Invitae), Labcorp
Classification: Uncertain significance. Last evaluated: 2025-02-10. Review status: criteria provided, single submitter. Criteria: Invitae Variant Classification Sherloc (09022015). Collection method: clinical testing. Allele origin: germline.
Comment: This sequence change replaces proline, which is neutral and non-polar, with leucine, which is neutral and non-polar, at codon 1905 of the KMT2C protein (p.Pro1905Leu). This variant is not present in population databases (gnomAD no frequency). This variant has not been reported in the literature in individuals affected with KMT2C-related conditions. Invitae Evidence Modeling of protein sequence and biophysical properties (such as structural, functional, and spatial information, amino acid conservation, physicochemical variation, residue mobility, and thermodynamic stability) indicates that this missense variant is expected to disrupt KMT2C protein function with a positive predictive value of 80%. In summary, the available evidence is currently insufficient to determine the role of this variant in disease. Therefore, it has been classified as a Variant of Uncertain Significance.